The following is an entry in ClinVar:

ClinVar aggregate classification (germline): Uncertain significance (1 of 4 stars; one submission).

Conditions:
Primary ciliary dyskinesia. Also called: Ciliary dyskinesia. Identifiers: Orphanet 244, MedGen C0008780, MONDO:0016575, HP:0012265.

Submission:

Ambry Genetics
Classification: Uncertain significance for Primary ciliary dyskinesia. Last evaluated: 2021-11-02. Review status: criteria provided, single submitter. Criteria: Ambry Variant Classification Scheme 2023. Collection method: clinical testing. Allele origin: germline.
Comment: The p.P2680R variant (also known as c.8039C>G), located in coding exon 49 of the DNAH11 gene, results from a C to G substitution at nucleotide position 8039. The proline at codon 2680 is replaced by arginine, an amino acid with dissimilar properties. This amino acid position is conserved. In addition, this alteration is predicted to be tolerated by in silico analysis. Since supporting evidence is limited at this time, the clinical significance of this alteration remains unclear.

NM_001277115.2(DNAH11):c.8039C>G (p.Pro2680Arg)

Gene: DNAH11 (dynein axonemal heavy chain 11; plus strand). Cytogenetic location: 7p15.3.
Variant type: single nucleotide variant.
Coding change: c.8039C>G on transcript NM_001277115.2 (MANE Select); coding-DNA position 8039, C replaced by G.
Protein change: p.Pro2680Arg; replaces proline 2680 with arginine.
Molecular consequence: missense variant.
Genome position (GRCh38, 1-based): chr7:21,742,051, C>G. VCF-style: chr7-21742051-C-G. GRCh37 (hg19) VCF-style: chr7-21781669-C-G.
Other names: c.8060C>G, p.Pro2687Arg (NM_003777.3); short protein forms P2680R, P2687R.
Identifiers: ClinVar variation 1761751 (VCV001761751.2), dbSNP rs1785926972, ClinGen allele CA366951879.